The following is an entry in ClinVar:

NM_001195263.2(PDZD7):c.1885G>A (p.Val629Met)

Gene: PDZD7 (PDZ domain containing 7; minus strand). Cytogenetic location: 10q24.31.
Variant type: single nucleotide variant.
Coding change: c.1885G>A on transcript NM_001195263.2 (MANE Select); coding-DNA position 1885, G replaced by A.
Protein change: p.Val629Met; replaces valine 629 with methionine.
Molecular consequence: missense variant.
Genome position (GRCh38, 1-based): chr10:101,011,973, C>T on the plus strand (G>A on the coding strand, the complement: PDZD7 is on the minus strand). VCF-style: chr10-101011973-C-T. GRCh37 (hg19) VCF-style: chr10-102771730-C-T.
Other names: short protein forms V629M.
Identifiers: ClinVar variation 1498147 (VCV001498147.6), dbSNP rs745881849, ClinGen allele CA5654026.
Genomic context (GRCh38, chr10:101,011,973, plus strand): 5'-CCCACTGCTGACCTGCCCTGCTCTTGAGGGCCTCAAAAGCCTCCAGCTCCACAAGCATCA[C>T]CATGCTGTCGAAGCGGCCCAGGTCTGTGGGGGCCACCACACTCCTGGGAGAGGGCGAGAG-3'
Protein context (NP_001182192.1, residues 619-639): PTDLGRFDSM[Val629Met]MLVELEAFEA

ClinVar aggregate classification (germline): Uncertain significance (1 of 4 stars; one submission).

Allele frequency attached by ClinVar (database versions not stated): TOPMed below 0.00001; gnomAD exomes 0.00001 and 0.00003; ExAC 0.00007.
gnomAD v4.1: 5 of 1,550,530 alleles (0.00032%); highest among the groups gnomAD compares: Admixed American, 0.0078%; no homozygotes.

Submission:

Labcorp Genetics (formerly Invitae), Labcorp
Classification: Uncertain significance. Last evaluated: 2021-11-06. Review status: criteria provided, single submitter. Criteria: Invitae Variant Classification Sherloc (09022015). Collection method: clinical testing. Allele origin: germline.
Comment: In summary, the available evidence is currently insufficient to determine the role of this variant in disease. Therefore, it has been classified as a Variant of Uncertain Significance. Algorithms developed to predict the effect of missense changes on protein structure and function are either unavailable or do not agree on the potential impact of this missense change (SIFT: "Deleterious"; PolyPhen-2: "Not Available"; Align-GVGD: "Class C0"). This sequence change replaces valine, which is neutral and non-polar, with methionine, which is neutral and non-polar, at codon 629 of the PDZD7 protein (p.Val629Met). This variant is present in population databases (rs745881849, gnomAD 0.02%). This variant has not been reported in the literature in individuals affected with PDZD7-related conditions.